The following is an entry in ClinVar:

ClinVar aggregate classification (germline): Conflicting classifications of pathogenicity. Review status: criteria provided, conflicting classifications (1 of 4 stars). 3 submissions from 3 submitters: Uncertain significance (1); Likely benign (2). Last evaluated 2024-12-06.

Conditions:
Inborn genetic diseases. Identifiers: MedGen C0950123, MeSH D030342.
Monocytopenia with susceptibility to infections. Also called: MONOCYTOPENIA AND MYCOBACTERIAL INFECTION SYNDROME; MONOCYTOPENIA WITH SUSCEPTIBILITY TO MYCOBACTERIAL, FUNGAL, AND PAPILLOMAVIRUS INFECTIONS AND MYELODYSPLASIA; COMBINED IMMUNODEFICIENCY WITH SUSCEPTIBILITY TO MYCOBACTERIAL, VIRAL, AND FUNGAL INFECTIONS; Dendritic cell, monocyte, B lymphocyte, and natural killer lymphocyte deficiency; IMMUNODEFICIENCY 21; GATA2 DEFICIENCY. Identifiers: Orphanet 228423, MedGen C3280030, MONDO:0013607, OMIM 614172.
Deafness-lymphedema-leukemia syndrome. Also called: Lymphedema, primary, with myelodysplasia; Emberger syndrome. Identifiers: Orphanet 3226, MedGen C3279664, MONDO:0013540, OMIM 614038.

Allele frequency attached by ClinVar (database versions not stated): gnomAD exomes below 0.00001; ExAC 0.00001; gnomAD 0.00001; TOPMed 0.00001; ESP Exome Variant Server 0.00008.
gnomAD v4.1: 3 of 1,614,106 alleles (0.00019%); highest among the groups gnomAD compares: African/African-American, 0.004%; no homozygotes.

Submissions (3):

Ambry Genetics
Classification: Likely benign for Inborn genetic diseases. Last evaluated: 2024-12-06. Review status: criteria provided, single submitter. Criteria: Ambry Variant Classification Scheme 2023. Collection method: clinical testing. Allele origin: germline.

Labcorp Genetics (formerly Invitae), Labcorp
Classification: Likely benign for Monocytopenia with susceptibility to infections; Deafness-lymphedema-leukemia syndrome. Last evaluated: 2023-08-27. Review status: criteria provided, single submitter. Criteria: Invitae Variant Classification Sherloc (09022015). Collection method: clinical testing. Allele origin: germline.

GeneDx
Classification: Uncertain significance. Last evaluated: 2022-09-15. Review status: criteria provided, single submitter. Criteria: GeneDx Variant Classification Process June 2021. Collection method: clinical testing. Allele origin: germline. Affected: yes.
Comment: Not observed at significant frequency in large population cohorts (gnomAD); In silico analysis supports that this variant does not alter splicing; Has not been previously published as pathogenic or benign to our knowledge

NM_032638.5(GATA2):c.633C>G (p.Val211=)

Gene: GATA2 (GATA binding protein 2; minus strand). Cytogenetic location: 3q21.3.
Variant type: single nucleotide variant.
Coding change: c.633C>G on transcript NM_032638.5 (MANE Select); coding-DNA position 633, C replaced by G.
Protein change: p.Val211=; no amino-acid change (valine 211 retained).
Molecular consequence: synonymous variant.
Genome position (GRCh38, 1-based): chr3:128,485,965, G>C on the plus strand (C>G on the coding strand, the complement: GATA2 is on the minus strand). VCF-style: chr3-128485965-G-C. GRCh37 (hg19) VCF-style: chr3-128204808-G-C.
Other names: c.633C>G (NM_032638.4); c.633C>G, p.Val211= (NM_001145661.2, NM_001145662.1).
Identifiers: ClinVar variation 1583740 (VCV001583740.10), dbSNP rs375773132, ClinGen allele CA2599985.